The following is an entry in ClinVar:

NM_002389.4(CD46):c.-652G>A

Gene: CD46 (CD46 molecule; plus strand). Cytogenetic location: 1q32.2.
Variant type: single nucleotide variant.
Coding change: c.-652G>A on transcript NM_002389.4; 652 bases upstream of the start codon, G replaced by A.
Genome position (GRCh38, 1-based): chr1:207,751,561, G>A. VCF-style: chr1-207751561-G-A. GRCh37 (hg19) VCF-style: chr1-207924906-G-A.
Identifiers: ClinVar variation 1280415 (VCV001280415.3), dbSNP rs2796267, ClinGen allele CA10788481.

ClinVar aggregate classification (germline): Benign. Review status: criteria provided, multiple submitters, no conflicts (2 of 4 stars). 2 submissions from 2 submitters: Benign (2). Last evaluated 2026-09-17.

Conditions:
Atypical hemolytic-uremic syndrome. Identifiers: Orphanet 2134, MedGen C2931788, MONDO:0016244.

Allele frequency attached by ClinVar (database versions not stated): gnomAD 0.61761 and 0.62066; 1000 Genomes Project 0.60903; 1000 Genomes Project 30x 0.61399; TOPMed 0.61932.

Submissions (2):

Genomenon, Inc
Classification: Benign for Atypical hemolytic-uremic syndrome. Last evaluated: 2026-09-17. Review status: criteria provided, single submitter. Criteria: Genomenon Sequence Variant Interpretation Standards - Updated. Collection method: curation. Allele origin: germline. Affected: no.
Comment: CD46 c.-652G>A is a variant located in the 5′ untranslated region (5′ UTR). This variant is present at high allele frequency in population databases. We classify CD46 c.-652G>A as a benign variant.

GeneDx
Classification: Benign. Last evaluated: 2021-02-23. Review status: criteria provided, single submitter. Criteria: GeneDx Variant Classification Process June 2021. Collection method: clinical testing. Allele origin: germline. Affected: yes.
Comment: This variant is associated with the following publications: (PMID: 32869896)